The following is an entry in ClinVar:

ClinVar aggregate classification (germline): Conflicting classifications of pathogenicity. Review status: criteria provided, conflicting classifications (1 of 4 stars). 7 submissions from 7 submitters: Uncertain significance (5); Likely benign (1). 1 of the submissions does not count toward it. Last evaluated 2025-10-01.

Conditions:
TTN-related disorder. Also called: TTN-related condition; TTN-related disease; TTN-related disorders.
Dilated cardiomyopathy 1G (CMD1G). Identifiers: Orphanet 154, MedGen C1858763, MONDO:0011400, OMIM 604145.
Autosomal recessive limb-girdle muscular dystrophy type 2J (LGMDR10). Also called: Limb-girdle muscular dystrophy, type 2J; MUSCULAR DYSTROPHY, LIMB-GIRDLE, AUTOSOMAL RECESSIVE 10. Identifiers: Orphanet 140922, MedGen C1837342, MONDO:0012127, OMIM 608807.

Allele frequency attached by ClinVar (database versions not stated): gnomAD exomes 0.00008 and 0.00016; ExAC 0.00012; gnomAD 0.00014 and 0.00015; TOPMed 0.00019; ESP Exome Variant Server 0.00034.
gnomAD v4.1: 136 of 1,611,116 alleles (0.0084%); highest among the groups gnomAD compares: Non-Finnish European, 0.0014%; no homozygotes.

Submissions (7):

CeGaT Center for Human Genetics Tuebingen
Classification: Uncertain significance. Last evaluated: 2025-10-01. Review status: criteria provided, single submitter. Criteria: CeGaT Center For Human Genetics Tuebingen Variant Classification Criteria Version 2. Collection method: clinical testing. Allele origin: germline. Affected: yes. Observed: 2 variant alleles.
Comment: TTN: PM2, BP4

Revvity Omics, Revvity
Classification: Uncertain significance. Last evaluated: 2025-03-13. Review status: criteria provided, single submitter. Criteria: ACMG Guidelines, 2015. Collection method: clinical testing. Allele origin: germline.

Blueprint Genetics
Classification: Uncertain significance. Last evaluated: 2023-10-02. Review status: criteria provided, single submitter. Criteria: ACMG Guidelines, 2015. Collection method: clinical testing. Allele origin: germline.

ARUP Laboratories, Molecular Genetics and Genomics, ARUP Laboratories
Classification: Uncertain significance. Last evaluated: 2020-03-06. Review status: criteria provided, single submitter. Criteria: ARUP Molecular Germline Variant Investigation Process. Collection method: clinical testing. Allele origin: germline.
Comment: The TTN c.32731G>A; p.Glu10911Lys variant (rs199620003; ClinVar Variation ID: 180571) is rare in the general population (<1% allele frequency in the Genome Aggregation Database) and has not been reported in the medical literature in association with dilated cardiomyopathy (DCM) or other TTN-related disease. The clinical relevance of rare missense variants in this gene, which are identified on average once per individual sequenced in affected populations (Herman 2012), is not well understood. Yet, evidence suggests that the vast majority of such missense variants do not contribute to the clinical outcome of DCM (Begay 2015). Thus, the clinical significance of the p.Glu10911Lys variant cannot be determined with certainty.

Labcorp Genetics (formerly Invitae), Labcorp
Classification: Uncertain significance for Dilated cardiomyopathy 1G; Autosomal recessive limb-girdle muscular dystrophy type 2J. Last evaluated: 2017-11-16. Review status: criteria provided, single submitter. Criteria: Invitae Variant Classification Sherloc (09022015). Collection method: clinical testing. Allele origin: germline.

GeneDx
Classification: Likely benign. Last evaluated: 2012-10-16. Review status: criteria provided, single submitter. Criteria: GeneDx Variant Classification (06012015). Collection method: clinical testing. Allele origin: germline. Affected: yes.
Comment: The variant is found in DCM panel(s).

PreventionGenetics, part of Exact Sciences
Classification: Likely benign for TTN-related condition. Last evaluated: 2023-04-11. Review status: no assertion criteria provided. Collection method: clinical testing. Allele origin: germline. Not counted in ClinVar's aggregate classification.
Comment: This variant is classified as likely benign based on ACMG/AMP sequence variant interpretation guidelines (Richards et al. 2015 PMID: 25741868, with internal and published modifications).

NM_001267550.2(TTN):c.32731G>A (p.Glu10911Lys)

Gene: TTN (titin; minus strand). Cytogenetic location: 2q31.2.
Variant type: single nucleotide variant.
Coding change: c.32731G>A on transcript NM_001267550.2 (MANE Select); coding-DNA position 32731, G replaced by A.
Protein change: p.Glu10911Lys; replaces glutamic acid 10911 with lysine.
Molecular consequence: missense variant. On other transcripts: intron variant (3).
Genome position (GRCh38, 1-based): chr2:178,684,074, C>T on the plus strand (G>A on the coding strand, the complement: TTN is on the minus strand). VCF-style: chr2-178684074-C-T. GRCh37 (hg19) VCF-style: chr2-179548801-C-T.
Other names: p.E10594K:GAA>AAA; c.31780G>A, p.Glu10594Lys (NM_001256850.1); c.28999G>A, p.Glu9667Lys (NM_133378.4); c.13283-41757G>A (NM_003319.4); c.13859-41757G>A (NM_133437.4); c.13658-41757G>A (NM_133432.3); short protein forms E10911K, E9667K, E10594K.
Identifiers: ClinVar variation 180571 (VCV000180571.55), dbSNP rs199620003, ClinGen allele CA309012.